The following is an entry in ClinVar:

ClinVar aggregate classification (germline): Pathogenic. Review status: reviewed by expert panel (3 of 4 stars). 4 submissions from 4 submitters: Pathogenic (1). 3 of the submissions do not count toward it. Last evaluated 2020-09-08.

Conditions:
Glanzmann thrombasthenia 1 (GT1). Also called: BLEEDING DISORDER, PLATELET-TYPE, 2; GP IIb-IIIa COMPLEX DEFICIENCY; GLYCOPROTEIN COMPLEX IIb-IIIa DEFICIENCY; PLATELET FIBRINOGEN RECEPTOR DEFICIENCY. Identifiers: MedGen CN300358, MONDO:0031332, OMIM 273800.
Glanzmann thrombasthenia. Also called: THROMBASTHENIA OF GLANZMANN AND NAEGELI; Thrombasthenia; Glanzmann's thrombasthenia; PLATELET GLYCOPROTEIN IIb-IIIa DEFICIENCY. Identifiers: Orphanet 849, MedGen C0040015, MONDO:0100326.

Allele frequency attached by ClinVar (database versions not stated): gnomAD 0.00001.
gnomAD v4.1: 5 of 1,611,080 alleles (0.00031%); highest among the groups gnomAD compares: Non-Finnish European, 0.00042%; no homozygotes.

Submissions (4):

ClinGen Platelet Disorders Variant Curation Expert Panel, ClinGen
Classification: Pathogenic for Glanzmann thrombasthenia. Last evaluated: 2020-09-08. Review status: reviewed by expert panel. Criteria: ClinGen Platelet ACMG Specifications v2. Collection method: curation. Allele origin: germline. Inheritance: Autosomal recessive inheritance.
Comment: The c.526C>G (p.Pro176Ala) variant has been reported, in the homozygous state, in at least one proband (PMID: 10607701) with a phenotype highly specific to GT. The variant cosegregated with disease in this proband and a sibling. Additionally two compound heterozygous cases have been reported (PMIDs: 10607701, 12083483). It is absent from Exac and gnomAD and multiple lines of computational evidence support a deleterious effect (REVEL score of 0.825). Expression of Pro176Ala in COS-1 and CHO cells demonstrated decreased surface expression and indicated the ability of Î±IIbÎ²3 to interact with immobilized fibrinogen was attenuated and abolished for soluble fibrinogen (PMID: 10607701). In summary, this variant meets criteria to be classified as Pathogenic for GT. GT-specific criteria applied: PS3, PM2_Supporting, PM3_Supporting, PP1, PP3, and PP4_Strong.

Genome Diagnostics Laboratory, University Medical Center Utrecht
Classification: Pathogenic. Review status: no assertion criteria provided. Collection method: clinical testing. Allele origin: germline. Affected: yes. Study: VKGL Data-share Consensus. Not counted in ClinVar's aggregate classification.

ISTH-SSC Genomics in Thrombosis and Hemostasis, KU Leuven, Center for Molecular and Vascular Biology
Classification: Likely pathogenic for Glanzmann thrombasthenia 1. Review status: no assertion criteria provided. Collection method: clinical testing. Allele origin: unknown. Affected: yes. Not counted in ClinVar's aggregate classification.
Comment: Submitted to GoldVariant by Prof Kathleen Freson from Center for Molecular and Vascular Biology, Leuven, Belgium

Joint Genome Diagnostic Labs from Nijmegen and Maastricht, Radboudumc and MUMC+
Classification: Pathogenic. Review status: no assertion criteria provided. Collection method: clinical testing. Allele origin: germline. Affected: yes. Study: VKGL Data-share Consensus. Not counted in ClinVar's aggregate classification.

Literature cited by the submitters: PubMed 10607701 (cited by ClinGen Platelet Disorders Variant Curation Expert Panel, ClinGen); PubMed 12083483 (cited by ClinGen Platelet Disorders Variant Curation Expert Panel, ClinGen).

NM_000419.5(ITGA2B):c.526C>G (p.Pro176Ala)

Gene: ITGA2B (integrin subunit alpha 2b; minus strand). Cytogenetic location: 17q21.31.
Variant type: single nucleotide variant.
Coding change: c.526C>G on transcript NM_000419.5 (MANE Select); coding-DNA position 526, C replaced by G.
Protein change: p.Pro176Ala; replaces proline 176 with alanine.
Molecular consequence: missense variant.
Genome position (GRCh38, 1-based): chr17:44,385,599, G>C on the plus strand (C>G on the coding strand, the complement: ITGA2B is on the minus strand). VCF-style: chr17-44385599-G-C. GRCh37 (hg19) VCF-style: chr17-42462967-G-C.
Other names: short protein forms P176A.
Identifiers: ClinVar variation 953000 (VCV000953000.7), dbSNP rs2048640485, ClinGen allele CA399805793.